The following is an entry in ClinVar:

NM_032043.3(BRIP1):c.3596T>C (p.Leu1199Pro)

Gene: BRIP1 (BRCA1 interacting DNA helicase 1; minus strand). Cytogenetic location: 17q23.2.
Variant type: single nucleotide variant.
Coding change: c.3596T>C on transcript NM_032043.3 (MANE Select); coding-DNA position 3596, T replaced by C.
Protein change: p.Leu1199Pro; replaces leucine 1199 with proline.
Molecular consequence: missense variant.
Genome position (GRCh38, 1-based): chr17:61,683,450, A>G on the plus strand (T>C on the coding strand, the complement: BRIP1 is on the minus strand). VCF-style: chr17-61683450-A-G. GRCh37 (hg19) VCF-style: chr17-59760811-A-G.
Other names: short protein forms L1199P.
Identifiers: ClinVar variation 823968 (VCV000823968.5), dbSNP rs1603274834, ClinGen allele CA400478108.

ClinVar aggregate classification (germline): Uncertain significance (1 of 4 stars; one submission).

Conditions:
Hereditary cancer-predisposing syndrome. Also called: Neoplastic Syndromes, Hereditary; Tumor predisposition; Hereditary neoplastic syndrome; Hereditary Cancer Syndrome. Identifiers: Orphanet 140162, MedGen C0027672, MeSH D009386, MONDO:0015356.

Submission:

Ambry Genetics
Classification: Uncertain significance for Hereditary cancer-predisposing syndrome. Last evaluated: 2025-05-31. Review status: criteria provided, single submitter. Criteria: Ambry Variant Classification Scheme 2023. Collection method: clinical testing. Allele origin: germline.
Comment: The p.L1199P variant (also known as c.3596T>C), located in coding exon 19 of the BRIP1 gene, results from a T to C substitution at nucleotide position 3596. The leucine at codon 1199 is replaced by proline, an amino acid with similar properties. This amino acid position is poorly conserved in available vertebrate species. In addition, this alteration is predicted to be tolerated by in silico analysis. Since supporting evidence is limited at this time, the clinical significance of this alteration remains unclear.